The following is an entry in ClinVar:

ClinVar aggregate classification (germline): Conflicting classifications of pathogenicity. Review status: criteria provided, conflicting classifications (1 of 4 stars). 3 submissions from 3 submitters: Uncertain significance (2); Likely benign (1). Last evaluated 2026-06-12.

Conditions:
Cardiovascular phenotype. Identifiers: MedGen CN230736.
Danon disease. Also called: PSEUDOGLYCOGENOSIS II; GSD IIb; LYSOSOMAL GLYCOGEN STORAGE DISEASE WITHOUT ACID MALTASE DEFICIENCY; ANTOPOL DISEASE; Glycogen Storage Disease Type IIb. Identifiers: Orphanet 34587, MedGen C0878677, MONDO:0010281, OMIM 300257.

Allele frequency attached by ClinVar (database versions not stated): gnomAD exomes 0.00001; ESP Exome Variant Server 0.00009; ExAC 0.00001; TOPMed 0.00010; gnomAD 0.00007 and 0.00002.
gnomAD v4.1: 8 of 1,207,901 alleles (0.00066%); highest among the groups gnomAD compares: Non-Finnish European, 0.00034%; no homozygotes.

Submissions (3):

Ambry Genetics
Classification: Likely benign for Cardiovascular phenotype. Last evaluated: 2026-06-12. Review status: criteria provided, single submitter. Criteria: Ambry Variant Classification Scheme 2023. Collection method: clinical testing. Allele origin: germline.

Labcorp Genetics (formerly Invitae), Labcorp
Classification: Uncertain significance for Danon disease. Last evaluated: 2026-02-03. Review status: criteria provided, single submitter. Criteria: Invitae Variant Classification Sherloc (09022015). Collection method: clinical testing. Allele origin: germline.
Comment: This sequence change replaces leucine, which is neutral and non-polar, with proline, which is neutral and non-polar, at codon 172 of the LAMP2 protein (p.Leu172Pro). This variant is present in population databases (rs371174243, gnomAD 0.001%). This variant has not been reported in the literature in individuals affected with LAMP2-related conditions. ClinVar contains an entry for this variant (Variation ID: 430422). Invitae Evidence Modeling of protein sequence and biophysical properties (such as structural, functional, and spatial information, amino acid conservation, physicochemical variation, residue mobility, and thermodynamic stability) indicates that this missense variant is not expected to disrupt LAMP2 protein function with a negative predictive value of 80%. In summary, the available evidence is currently insufficient to determine the role of this variant in disease. Therefore, it has been classified as a Variant of Uncertain Significance.

GeneDx
Classification: Uncertain significance. Last evaluated: 2017-05-19. Review status: criteria provided, single submitter. Criteria: GeneDx Variant Classification (06012015). Collection method: clinical testing. Allele origin: germline. Affected: yes.
Comment: The L172P variant of uncertain significance in the LAMP2 gene has not been published as pathogenic or been reported as benign to our knowledge. This variant is not observed at a significant frequency in large population cohorts (Lek et al., 2016; 1000 Genomes Consortium et al., 2015; Exome Variant Server). The L172P variant is a semi-conservative amino acid substitution, which may impact secondary protein structure as these residues differ in some properties. However, this substitution occurs at a position that is not conserved across species. Furthermore, in silico analysis predicts this variant likely does not alter the protein structure/function. Nevertheless, based on the currently available information, it is unclear whether this variant is pathogenic or rare benign.

NM_002294.3(LAMP2):c.515T>C (p.Leu172Pro)

Gene: LAMP2 (lysosome associated membrane protein 2; minus strand). Cytogenetic location: Xq24.
Variant type: single nucleotide variant.
Coding change: c.515T>C on transcript NM_002294.3 (MANE Select); coding-DNA position 515, T replaced by C.
Protein change: p.Leu172Pro; replaces leucine 172 with proline.
Molecular consequence: missense variant.
Genome position (GRCh38, 1-based): chrX:120,449,011, A>G on the plus strand (T>C on the coding strand, the complement: LAMP2 is on the minus strand). VCF-style: chrX-120449011-A-G. GRCh37 (hg19) VCF-style: chrX-119582866-A-G.
Other names: c.515T>C, p.Leu172Pro (NM_001122606.1, NM_013995.2); short protein forms L172P.
Identifiers: ClinVar variation 430422 (VCV000430422.13), dbSNP rs371174243, ClinGen allele CA10505296.